The following is an entry in ClinVar:

ClinVar aggregate classification (germline): Uncertain significance (1 of 4 stars; one submission).

Conditions:
Hereditary cancer-predisposing syndrome. Also called: Neoplastic Syndromes, Hereditary; Tumor predisposition; Hereditary neoplastic syndrome; Hereditary Cancer Syndrome. Identifiers: Orphanet 140162, MedGen C0027672, MeSH D009386, MONDO:0015356.

gnomAD v4.1: 1 of 1,614,080 alleles (0.000062%); highest among the groups gnomAD compares: Non-Finnish European, 0.000085%; no homozygotes.

Submission:

Ambry Genetics
Classification: Uncertain significance for Hereditary cancer-predisposing syndrome. Last evaluated: 2026-08-05. Review status: criteria provided, single submitter. Criteria: Ambry Variant Classification Scheme 2023. Collection method: clinical testing. Allele origin: germline.
Comment: The p.E583D variant (also known as c.1749G>C), located in coding exon 11 of the KIT gene, results from a G to C substitution at nucleotide position 1749. This variant was identified in an individual with clinical features consistent with piebaldism (Lee, H et al. J Dermatol Sci 2014 Oct;76(1):74-6) The glutamic acid at codon 583 is replaced by aspartic acid, an amino acid with highly similar properties. This amino acid position is highly conserved in available vertebrate species. In addition, this alteration is predicted to be deleterious by in silico analysis. Based on the available evidence, the clinical significance of this variant remains unclear.

Literature cited by the submitters: PubMed 25176472.

NM_000222.3(KIT):c.1749G>C (p.Glu583Asp)

Gene: KIT (KIT proto-oncogene, receptor tyrosine kinase; plus strand). Cytogenetic location: 4q12.
Variant type: single nucleotide variant.
Coding change: c.1749G>C on transcript NM_000222.3 (MANE Select); coding-DNA position 1749, G replaced by C.
Protein change: p.Glu583Asp; replaces glutamic acid 583 with aspartic acid.
Molecular consequence: missense variant.
Genome position (GRCh38, 1-based): chr4:54,727,517, G>C. VCF-style: chr4-54727517-G-C. GRCh37 (hg19) VCF-style: chr4-55593683-G-C.
Other names: c.1737G>C, p.Glu579Asp (NM_001093772.2, NM_001385286.1); c.1752G>C, p.Glu584Asp (NM_001385284.1, NM_001385290.1); c.1749G>C, p.Glu583Asp (NM_001385285.1); c.1740G>C, p.Glu580Asp (NM_001385288.1, NM_001385292.1); short protein forms E580D, E579D, E583D, E584D.
Identifiers: ClinVar variation 5023328 (VCV005023328.1).